The following is an entry in ClinVar:

NM_014014.5(SNRNP200):c.5931+3G>A

Gene: SNRNP200 (small nuclear ribonucleoprotein U5 subunit 200; minus strand). Cytogenetic location: 2q11.2.
Variant type: single nucleotide variant.
Coding change: c.5931+3G>A on transcript NM_014014.5 (MANE Select); 3 bases into the intron after coding-DNA position 5931, G replaced by A.
Molecular consequence: intron variant.
Genome position (GRCh38, 1-based): chr2:96,277,536, C>T on the plus strand (G>A on the coding strand, the complement: SNRNP200 is on the minus strand). VCF-style: chr2-96277536-C-T. GRCh37 (hg19) VCF-style: chr2-96943274-C-T.
Identifiers: ClinVar variation 1969392 (VCV001969392.5), dbSNP rs372326171, ClinGen allele CA1777872.

ClinVar aggregate classification (germline): Uncertain significance (1 of 4 stars; one submission).

Allele frequency attached by ClinVar (database versions not stated): gnomAD exomes below 0.00001; ExAC 0.00001; gnomAD 0.00001; TOPMed 0.00002; ESP Exome Variant Server 0.00015.
gnomAD v4.1: 4 of 1,612,328 alleles (0.00025%); highest among the groups gnomAD compares: African/African-American, 0.0013%; no homozygotes.

Submission:

Labcorp Genetics (formerly Invitae), Labcorp
Classification: Uncertain significance. Last evaluated: 2022-05-06. Review status: criteria provided, single submitter. Criteria: Invitae Variant Classification Sherloc (09022015). Collection method: clinical testing. Allele origin: germline.
Comment: In summary, the available evidence is currently insufficient to determine the role of this variant in disease. Therefore, it has been classified as a Variant of Uncertain Significance. Variants that disrupt the consensus splice site are a relatively common cause of aberrant splicing (PMID: 17576681, 9536098). Algorithms developed to predict the effect of sequence changes on RNA splicing suggest that this variant is not likely to affect RNA splicing. This variant has not been reported in the literature in individuals affected with SNRNP200-related conditions. This variant is present in population databases (rs372326171, gnomAD 0.007%). This sequence change falls in intron 41 of the SNRNP200 gene. It does not directly change the encoded amino acid sequence of the SNRNP200 protein. It affects a nucleotide within the consensus splice site.

Literature cited by the submitters: PubMed 17576681; PubMed 9536098.